The following is an entry in ClinVar:

ClinVar aggregate classification (germline): Uncertain significance (1 of 4 stars; one submission).

Conditions:
Cardiovascular phenotype. Identifiers: MedGen CN230736.

Submission:

Ambry Genetics
Classification: Uncertain significance for Cardiovascular phenotype. Last evaluated: 2025-10-03. Review status: criteria provided, single submitter. Criteria: Ambry Variant Classification Scheme 2023. Collection method: clinical testing. Allele origin: germline.
Comment: The p.P603R variant (also known as c.1808C>G), located in coding exon 11 of the CBL gene, results from a C to G substitution at nucleotide position 1808. The proline at codon 603 is replaced by arginine, an amino acid with dissimilar properties. This amino acid position is conserved. In addition, this alteration is predicted to be tolerated by in silico analysis. Based on the available evidence, the clinical significance of this variant remains unclear.

NM_005188.4(CBL):c.1808C>G (p.Pro603Arg)

Gene: CBL (Cbl proto-oncogene; plus strand). Cytogenetic location: 11q23.3.
Variant type: single nucleotide variant.
Coding change: c.1808C>G on transcript NM_005188.4 (MANE Select); coding-DNA position 1808, C replaced by G.
Protein change: p.Pro603Arg; replaces proline 603 with arginine.
Molecular consequence: missense variant.
Genome position (GRCh38, 1-based): chr11:119,285,433, C>G. VCF-style: chr11-119285433-C-G. GRCh37 (hg19) VCF-style: chr11-119156143-C-G.
Other names: short protein forms P603R.
Identifiers: ClinVar variation 4613810 (VCV004613810.1).
Genomic context (GRCh38, chr11:119,285,433, plus strand): 5'-CTAGCCGCCTTGGAGACTCATGGCTGCCCCGGCCAATCCCCAAAGTACCAGTATCTGCCC[C>G]AAGTTCCAGTGATCCCTGGACAGGAAGAGAATTAACCAACCGGCACTCACTTCCATTTTC-3'
Protein context (NP_005179.2, residues 593-613): RPIPKVPVSA[Pro603Arg]SSSDPWTGRE